The following is an entry in ClinVar:

NM_000755.5(CRAT):c.1335C>T (p.Tyr445=)

Gene: CRAT (carnitine O-acetyltransferase; minus strand). Cytogenetic location: 9q34.11.
Variant type: single nucleotide variant.
Coding change: c.1335C>T on transcript NM_000755.5 (MANE Select); coding-DNA position 1335, C replaced by T.
Protein change: p.Tyr445=; no amino-acid change (tyrosine 445 retained).
Molecular consequence: synonymous variant.
Genome position (GRCh38, 1-based): chr9:129,098,142, G>A on the plus strand (C>T on the coding strand, the complement: CRAT is on the minus strand). VCF-style: chr9-129098142-G-A. GRCh37 (hg19) VCF-style: chr9-131860421-G-A.
Other names: c.1272C>T, p.Tyr424= (NM_001257363.3, NM_001346548.2, NM_004003.4); c.1338C>T, p.Tyr446= (NM_001346546.2); c.1335C>T, p.Tyr445= (NM_001346547.2); c.1215C>T, p.Tyr405= (NM_001346549.2); c.1335C>T (NM_000755.4).
Identifiers: ClinVar variation 1166275 (VCV001166275.12), dbSNP rs16930895, ClinGen allele CA5275401.
Genomic context (GRCh38, chr9:129,098,142, plus strand): 5'-GGTGCGGCCCAGGTGAAACATGCGCAGGGAGGCACTTTCATAGGTGGCACATGCCTGTCC[G>A]TAGATCCTGGTGGGAAATGGGGCTAAGCACGCCCCTTGGAGGCGGGCACCCCCTCCCCTG-3'
Protein context (NP_000746.3, residues 435-455): MALQLAYYRI[Tyr445=]GQACATYESA

ClinVar aggregate classification (germline): Benign. Review status: criteria provided, multiple submitters, no conflicts (2 of 4 stars). 3 submissions from 3 submitters: Benign (2). 1 of the submissions does not count toward it. Last evaluated 2026-01-28.

Conditions:
CRAT-related disorder. Also called: CRAT-related condition.

Allele frequency attached by ClinVar (database versions not stated): gnomAD exomes 0.00403 and 0.01000; ExAC 0.01238; gnomAD 0.03862 and 0.04184; 1000 Genomes Project 0.03954; 1000 Genomes Project 30x 0.04201; TOPMed 0.04419; ESP Exome Variant Server 0.04675.
gnomAD v4.1: 11,958 of 1,613,694 alleles (0.74%); highest among the groups gnomAD compares: African/African-American, 14%; 778 homozygotes.

Submissions (3):

Labcorp Genetics (formerly Invitae), Labcorp
Classification: Benign. Last evaluated: 2026-01-28. Review status: criteria provided, single submitter. Criteria: Invitae Variant Classification Sherloc (09022015). Collection method: clinical testing. Allele origin: germline.

Breakthrough Genomics
Classification: Benign. Review status: criteria provided, single submitter. Criteria: ACMG Guidelines, 2015. Collection method: not provided. Allele origin: germline. Inheritance: Autosomal recessive inheritance. Affected: yes.

PreventionGenetics, part of Exact Sciences
Classification: Benign for CRAT-related condition. Last evaluated: 2019-06-03. Review status: no assertion criteria provided. Collection method: clinical testing. Allele origin: germline. Not counted in ClinVar's aggregate classification.
Comment: This variant is classified as benign based on ACMG/AMP sequence variant interpretation guidelines (Richards et al. 2015 PMID: 25741868, with internal and published modifications).